The following is an entry in ClinVar:

NM_000448.3(RAG1):c.2896T>A (p.Ser966Thr)

Gene: RAG1 (recombination activating 1; plus strand). Cytogenetic location: 11p12.
Variant type: single nucleotide variant.
Coding change: c.2896T>A on transcript NM_000448.3 (MANE Select); coding-DNA position 2896, T replaced by A.
Protein change: p.Ser966Thr; replaces serine 966 with threonine.
Molecular consequence: missense variant.
Genome position (GRCh38, 1-based): chr11:36,576,200, T>A. VCF-style: chr11-36576200-T-A. GRCh37 (hg19) VCF-style: chr11-36597750-T-A.
Other names: c.2896T>A, p.Ser966Thr (NM_001377277.1, NM_001377278.1, NM_001377279.1 and 1 more transcripts); short protein forms S966T.
Identifiers: ClinVar variation 1035068 (VCV001035068.8), dbSNP rs973731079, ClinGen allele CA220564692.
Genomic context (GRCh38, chr11:36,576,200, plus strand): 5'-GTTCCTGAAATTATTGAGAGGGATGGCTCCATTGGGGCATGGGCAAGTGAGGGAAATGAG[T>A]CTGGTAACAAACTGTTTAGGCGCTTCCGGAAAATGAATGCCAGGCAGTCCAAATGCTATG-3'
Protein context (NP_000439.2, residues 956-976): IGAWASEGNE[Ser966Thr]GNKLFRRFRK

ClinVar aggregate classification (germline): Uncertain significance (1 of 4 stars; one submission).

Conditions:
Combined immunodeficiency with skin granulomas. Identifiers: Orphanet 157949, MedGen C2673536, MONDO:0009306, OMIM 233650.
Severe combined immunodeficiency, autosomal recessive, T cell-negative, B cell-negative, NK cell-positive. Also called: SCID, T CELL-NEGATIVE, B CELL-NEGATIVE, NK CELL-POSITIVE; SCID, AR, T-cell negative, B-cell negative, NK cell-positive; Severe combined immunodeficiency due to complete RAG1/2 deficiency. Identifiers: Orphanet 331206, MedGen C1832322, MONDO:0011086, OMIM 601457.

Allele frequency attached by ClinVar (database versions not stated): gnomAD 0.00001; gnomAD exomes 0.00001; TOPMed 0.00001.
gnomAD v4.1: 5 of 1,613,838 alleles (0.00031%); highest among the groups gnomAD compares: Non-Finnish European, 0.00042%; no homozygotes.

Submission:

Labcorp Genetics (formerly Invitae), Labcorp
Classification: Uncertain significance for Combined immunodeficiency with skin granulomas; Severe combined immunodeficiency, autosomal recessive, T cell-negative, B cell-negative, NK cell-positive. Last evaluated: 2020-08-31. Review status: criteria provided, single submitter. Criteria: Invitae Variant Classification Sherloc (09022015). Collection method: clinical testing. Allele origin: germline.
Comment: This sequence change replaces serine with threonine at codon 966 of the RAG1 protein (p.Ser966Thr). The serine residue is highly conserved and there is a small physicochemical difference between serine and threonine. This variant is not present in population databases (ExAC no frequency). This variant has been observed in individual(s) with severe combined immunodeficiency (PMID: 28769923). Algorithms developed to predict the effect of missense changes on protein structure and function are either unavailable or do not agree on the potential impact of this missense change (SIFT: "Deleterious"; PolyPhen-2: "Possibly Damaging"; Align-GVGD: "Class C0"). In summary, the available evidence is currently insufficient to determine the role of this variant in disease. Therefore, it has been classified as a Variant of Uncertain Significance.

Literature cited by the submitters: PubMed 28769923.